The following is an entry in ClinVar:

NM_015404.4(WHRN):c.2618G>A (p.Arg873Gln)

Gene: WHRN (whirlin; minus strand). Cytogenetic location: 9q32.
Variant type: single nucleotide variant.
Coding change: c.2618G>A on transcript NM_015404.4 (MANE Select); coding-DNA position 2618, G replaced by A.
Protein change: p.Arg873Gln; replaces arginine 873 with glutamine.
Molecular consequence: missense variant.
Genome position (GRCh38, 1-based): chr9:114,402,860, C>T on the plus strand (G>A on the coding strand, the complement: WHRN is on the minus strand). VCF-style: chr9-114402860-C-T. GRCh37 (hg19) VCF-style: chr9-117165140-C-T.
Other names: c.2618G>A (NM_015404.2); c.1469G>A, p.Arg490Gln (NM_001083885.3); c.2615G>A, p.Arg872Gln (NM_001173425.2); c.1565G>A, p.Arg522Gln (NM_001346890.1); short protein forms R490Q, R522Q, R872Q, R873Q.
Identifiers: ClinVar variation 857137 (VCV000857137.11), dbSNP rs1301232723, ClinGen allele CA374618942.

ClinVar aggregate classification (germline): Uncertain significance. Review status: criteria provided, multiple submitters, no conflicts (2 of 4 stars). 3 submissions from 3 submitters: Uncertain significance (3). Last evaluated 2025-11-17.

Conditions:
Autosomal recessive nonsyndromic hearing loss 31. Also called: WHIRLER, MOUSE, HOMOLOG OF. Identifiers: Orphanet 90636, MedGen C1846839, MONDO:0011767, OMIM 607084.
Usher syndrome type 2D. Also called: USHER SYNDROME, TYPE IID. Identifiers: Orphanet 231178, Orphanet 886, MedGen C1568249, MONDO:0012662, OMIM 611383.

gnomAD v4.1: 10 of 1,613,918 alleles (0.00062%); highest among the groups gnomAD compares: African/African-American, 0.0013%; no homozygotes.

Submissions (3):

Labcorp Genetics (formerly Invitae), Labcorp
Classification: Uncertain significance. Last evaluated: 2025-11-17. Review status: criteria provided, single submitter. Criteria: Invitae Variant Classification Sherloc (09022015). Collection method: clinical testing. Allele origin: germline.
Comment: This sequence change replaces arginine, which is basic and polar, with glutamine, which is neutral and polar, at codon 873 of the WHRN protein (p.Arg873Gln). This variant is present in population databases (no rsID available, gnomAD 0.01%). This variant has not been reported in the literature in individuals affected with WHRN-related conditions. ClinVar contains an entry for this variant (Variation ID: 857137). An algorithm developed to predict the effect of missense changes on protein structure and function (PolyPhen-2) suggests that this variant is likely to be disruptive. In summary, the available evidence is currently insufficient to determine the role of this variant in disease. Therefore, it has been classified as a Variant of Uncertain Significance.

GeneDx
Classification: Uncertain significance. Last evaluated: 2025-04-22. Review status: criteria provided, single submitter. Criteria: GeneDx Variant Classification Process June 2021. Collection method: clinical testing. Allele origin: germline. Affected: yes.
Comment: Not observed at significant frequency in large population cohorts (gnomAD); In silico analysis indicates that this missense variant does not alter protein structure/function; Has not been previously published as pathogenic or benign to our knowledge

Fulgent Genetics
Classification: Uncertain significance for Autosomal recessive nonsyndromic hearing loss 31; Usher syndrome type 2D. Last evaluated: 2021-08-02. Review status: criteria provided, single submitter. Criteria: ACMG Guidelines, 2015. Collection method: clinical testing. Allele origin: unknown.